The following is an entry in ClinVar:

NM_001201550.3(CFHR4):c.1234C>A (p.Arg412=)

Gene: CFHR4 (complement factor H related 4; plus strand). Cytogenetic location: 1q31.3.
Variant type: single nucleotide variant.
Coding change: c.1234C>A on transcript NM_001201550.3 (MANE Select); coding-DNA position 1234, C replaced by A.
Protein change: p.Arg412=; no amino-acid change (arginine 412 retained).
Molecular consequence: synonymous variant.
Genome position (GRCh38, 1-based): chr1:196,914,548, C>A. VCF-style: chr1-196914548-C-A. GRCh37 (hg19) VCF-style: chr1-196883678-C-A.
Other names: c.1231C>A, p.Arg411= (NM_001201551.2); c.493C>A, p.Arg165= (NM_006684.5).
Identifiers: ClinVar variation 782977 (VCV000782977.21), dbSNP rs75774768, ClinGen allele CA1307091.
Genomic context (GRCh38, chr1:196,914,548, plus strand): 5'-GTTTCAGAATTTTGTGATATGCCTGTTTTTGAGAATTCCAGAGCCAAGAGTAATGGCATG[C>A]GGTTTAAGCTCCATGACACATTGGACTACGAATGCTACGATGGATATGAAATCAGTTATG-3'
Protein context (NP_001188479.1, residues 402-422): ENSRAKSNGM[Arg412=]FKLHDTLDYE

ClinVar aggregate classification (germline): Likely benign. Review status: criteria provided, multiple submitters, no conflicts (2 of 4 stars). 5 submissions from 5 submitters: Likely benign (2). 3 of the submissions do not count toward it. Last evaluated 2025-02-01.

Allele frequency attached by ClinVar (database versions not stated): 1000 Genomes Project 0.00040; 1000 Genomes Project 30x 0.00062; TOPMed 0.00131.
gnomAD v4.1: 3,364 of 1,608,632 alleles (0.21%); highest among the groups gnomAD compares: Non-Finnish European, 0.27%; 42 homozygotes.

Submissions (5):

CeGaT Center for Human Genetics Tuebingen
Classification: Likely benign. Last evaluated: 2025-02-01. Review status: criteria provided, single submitter. Criteria: CeGaT Center For Human Genetics Tuebingen Variant Classification Criteria Version 2. Collection method: clinical testing. Allele origin: germline. Affected: yes. Observed: 1 variant allele.
Comment: CFHR4: BP4, BP7, BS2

Labcorp Genetics (formerly Invitae), Labcorp
Classification: Likely benign. Last evaluated: 2019-12-31. Review status: criteria provided, single submitter. Criteria: Invitae Variant Classification Sherloc (09022015). Collection method: clinical testing. Allele origin: germline.

Clinical Genetics DNA and cytogenetics Diagnostics Lab, Erasmus MC, Erasmus Medical Center
Classification: Likely benign. Review status: no assertion criteria provided. Collection method: clinical testing. Allele origin: germline. Affected: yes. Study: VKGL Data-share Consensus. Not counted in ClinVar's aggregate classification.

Genome Diagnostics Laboratory, University Medical Center Utrecht
Classification: Likely benign. Review status: no assertion criteria provided. Collection method: clinical testing. Allele origin: germline. Affected: yes. Study: VKGL Data-share Consensus. Not counted in ClinVar's aggregate classification.

Joint Genome Diagnostic Labs from Nijmegen and Maastricht, Radboudumc and MUMC+
Classification: Likely benign. Review status: no assertion criteria provided. Collection method: clinical testing. Allele origin: germline. Affected: yes. Study: VKGL Data-share Consensus. Not counted in ClinVar's aggregate classification.